The following is an entry in ClinVar:

ClinVar aggregate classification (germline): Uncertain significance. Review status: criteria provided, multiple submitters, no conflicts (2 of 4 stars). 2 submissions from 2 submitters: Uncertain significance (2). Last evaluated 2023-11-21.

Conditions:
Hereditary cancer-predisposing syndrome. Also called: Hereditary neoplastic syndrome; Neoplastic Syndromes, Hereditary; Tumor predisposition; Hereditary Cancer Syndrome. Identifiers: Orphanet 140162, MedGen C0027672, MeSH D009386, MONDO:0015356.
Ataxia-telangiectasia syndrome (AT). Also called: Ataxia telangiectasia (A-T); LOUIS-BAR SYNDROME; Cerebello-oculocutaneous telangiectasia; Immunodeficiency with ataxia telangiectasia; Ataxia-telangiectasia, complementation group D; AT, COMPLEMENTATION GROUP C. Identifiers: Orphanet 100, MedGen C0004135, MONDO:0008840, OMIM 208900.

Submissions (2):

Labcorp Genetics (formerly Invitae), Labcorp
Classification: Uncertain significance for Ataxia-telangiectasia syndrome. Last evaluated: 2023-11-21. Review status: criteria provided, single submitter. Criteria: Invitae Variant Classification Sherloc (09022015). Collection method: clinical testing. Allele origin: germline.
Comment: This sequence change replaces aspartic acid, which is acidic and polar, with valine, which is neutral and non-polar, at codon 2987 of the ATM protein (p.Asp2987Val). This variant is not present in population databases (gnomAD no frequency). This variant has not been reported in the literature in individuals affected with ATM-related conditions. ClinVar contains an entry for this variant (Variation ID: 1765263). An algorithm developed to predict the effect of missense changes on protein structure and function (PolyPhen-2) suggests that this variant is likely to be tolerated. In summary, the available evidence is currently insufficient to determine the role of this variant in disease. Therefore, it has been classified as a Variant of Uncertain Significance.

Ambry Genetics
Classification: Uncertain significance for Hereditary cancer-predisposing syndrome. Last evaluated: 2015-10-20. Review status: criteria provided, single submitter. Criteria: Ambry Variant Classification Scheme 2023. Collection method: clinical testing. Allele origin: germline.
Comment: The p.D2987V variant (also known as c.8960A>T), located in coding exon 61 of the ATM gene, results from an A to T substitution at nucleotide position 8960. The aspartic acid at codon 2987 is replaced by valine, an amino acid with highly dissimilar properties. This variant was not reported in population based cohorts in the following databases: Database of Single Nucleotide Polymorphisms (dbSNP), NHLBI Exome Sequencing Project (ESP), and 1000 Genomes Project. In the ESP, this variant was not observed in 6499 samples (12998 alleles) with coverage at this position. To date, this alteration has been detected with an allele frequency of approximately 0.002% (greater than 66000 alleles tested) in our clinical cohort. This amino acid position is not well conserved in available vertebrate species. In addition, this alteration is predicted to be tolerated by in silico analysis. Since supporting evidence is limited at this time, the clinical significance of p.D2987V remains unclear.

NM_000051.4(ATM):c.8960A>T (p.Asp2987Val)

Genes: ATM (ATM serine/threonine kinase; plus strand), C11orf65 (chromosome 11 open reading frame 65; minus strand). Cytogenetic location: 11q22.3.
Variant type: single nucleotide variant.
Coding change: c.8960A>T on transcript NM_000051.4 (MANE Select); coding-DNA position 8960, A replaced by T.
Protein change: p.Asp2987Val; replaces aspartic acid 2987 with valine.
Molecular consequence: missense variant. On other transcripts: intron variant (2).
Genome position (GRCh38, 1-based): chr11:108,365,191, A>T. VCF-style: chr11-108365191-A-T. GRCh37 (hg19) VCF-style: chr11-108235918-A-T.
Other names: c.8960A>T, p.Asp2987Val (NM_001351834.2); c.640+20729T>A (NM_001330368.2); c.694+20729T>A (NM_001351110.2); short protein forms D2987V.
Identifiers: ClinVar variation 1765263 (VCV001765263.44), dbSNP rs2091213427, ClinGen allele CA382530295.
Genomic context (GRCh38, chr11:108,365,191, plus strand): 5'-CTTTGTATTTACAGCAGAGGCCGGAAGATGAAACTGAGCTTCACCCTACTCTGAATGCAG[A>T]TGACCAAGAATGCAAACGAAATCTCAGGTGAGCAGTATTTTAAGAAGGTCCTGTTGTCAG-3'
Protein context (NP_000042.3, residues 2977-2997): ETELHPTLNA[Asp2987Val]DQECKRNLSD